The following is an entry in ClinVar:

NM_004415.4(DSP):c.381G>C (p.Glu127Asp)

Gene: DSP (desmoplakin; plus strand). Cytogenetic location: 6p24.3.
Variant type: single nucleotide variant.
Coding change: c.381G>C on transcript NM_004415.4 (MANE Select); coding-DNA position 381, G replaced by C.
Protein change: p.Glu127Asp; replaces glutamic acid 127 with aspartic acid.
Molecular consequence: missense variant.
Genome position (GRCh38, 1-based): chr6:7,558,223, G>C. VCF-style: chr6-7558223-G-C. GRCh37 (hg19) VCF-style: chr6-7558456-G-C.
Other names: c.381G>C, p.Glu127Asp (NM_001008844.3, NM_001319034.2, NM_001406591.1); short protein forms E127D.
Identifiers: ClinVar variation 4785246 (VCV004785246.1).

ClinVar aggregate classification (germline): Uncertain significance (1 of 4 stars; one submission).

Conditions:
Arrhythmogenic cardiomyopathy with wooly hair and keratoderma. Also called: Carvajal syndrome; PALMOPLANTAR KERATODERMA WITH LEFT VENTRICULAR CARDIOMYOPATHY AND WOOLLY HAIR; Dilated cardiomyopathy with woolly hair and keratoderma; Arrhythmogenic cardiomyopathy with woolly hair and keratoderma. Identifiers: Orphanet 65282, MedGen C1854063, MONDO:0011581, OMIM 605676.
Arrhythmogenic right ventricular dysplasia 8 (ARVD8). Also called: Arrhythmogenic Right Ventricular Dysplasia/Cardiomyopathy 8; ARRHYTHMOGENIC RIGHT VENTRICULAR DYSPLASIA, FAMILIAL, 8; ARRHYTHMOGENIC RIGHT VENTRICULAR CARDIOMYOPATHY 8. Identifiers: MedGen C1843896, MONDO:0011831, OMIM 607450.

Submission:

Labcorp Genetics (formerly Invitae), Labcorp
Classification: Uncertain significance for Arrhythmogenic cardiomyopathy with wooly hair and keratoderma; Arrhythmogenic right ventricular dysplasia 8. Last evaluated: 2025-06-10. Review status: criteria provided, single submitter. Criteria: Invitae Variant Classification Sherloc (09022015). Collection method: clinical testing. Allele origin: germline.
Comment: This sequence change replaces glutamic acid, which is acidic and polar, with aspartic acid, which is acidic and polar, at codon 127 of the DSP protein (p.Glu127Asp). This variant is not present in population databases (gnomAD no frequency). This variant has not been reported in the literature in individuals affected with DSP-related conditions. An algorithm developed to predict the effect of missense changes on protein structure and function (PolyPhen-2) suggests that this variant is likely to be tolerated. In summary, the available evidence is currently insufficient to determine the role of this variant in disease. Therefore, it has been classified as a Variant of Uncertain Significance.